The following is an entry in ClinVar:

ClinVar aggregate classification (germline): Benign/Likely benign. Review status: criteria provided, multiple submitters, no conflicts (2 of 4 stars). 4 submissions from 4 submitters: Benign (2); Likely benign (2). Last evaluated 2025-11-27.

Allele frequency attached by ClinVar (database versions not stated): gnomAD exomes 0.00072 and 0.00202; ExAC 0.00258; gnomAD 0.00763 and 0.00819; ESP Exome Variant Server 0.00801; TOPMed 0.00817; 1000 Genomes Project 0.00958; 1000 Genomes Project 30x 0.01109.
gnomAD v4.1: 2,250 of 1,614,190 alleles (0.14%); highest among the groups gnomAD compares: African/African-American, 2.6%; 32 homozygotes.

Submissions (4):

Labcorp Genetics (formerly Invitae), Labcorp
Classification: Benign. Last evaluated: 2025-11-27. Review status: criteria provided, single submitter. Criteria: Invitae Variant Classification Sherloc (09022015). Collection method: clinical testing. Allele origin: germline.

Athena Diagnostics
Classification: Benign. Last evaluated: 2025-10-02. Review status: criteria provided, single submitter. Criteria: Athena Diagnostics Criteria. Collection method: clinical testing. Allele origin: unknown.
Comment: The frequency of this variant in the general population is higher than would generally be expected for pathogenic variants in this gene.

GeneDx
Classification: Likely benign. Last evaluated: 2022-01-19. Review status: criteria provided, single submitter. Criteria: GeneDx Variant Classification Process June 2021. Collection method: clinical testing. Allele origin: germline. Affected: yes.
Comment: See Variant Classification Assertion Criteria.

Breakthrough Genomics
Classification: Likely benign. Review status: criteria provided, single submitter. Criteria: ACMG Guidelines, 2015. Collection method: not provided. Allele origin: germline. Inheritance: Autosomal recessive inheritance. Affected: yes.

Literature cited by the submitters: PubMed 24123366 (cited by Athena Diagnostics).

NM_006946.4(SPTBN2):c.3686A>G (p.His1229Arg)

Gene: SPTBN2 (spectrin beta, non-erythrocytic 2; minus strand). Cytogenetic location: 11q13.2.
Variant type: single nucleotide variant.
Coding change: c.3686A>G on transcript NM_006946.4 (MANE Select); coding-DNA position 3686, A replaced by G.
Protein change: p.His1229Arg; replaces histidine 1229 with arginine.
Molecular consequence: missense variant.
Genome position (GRCh38, 1-based): chr11:66,699,496, T>C on the plus strand (A>G on the coding strand, the complement: SPTBN2 is on the minus strand). VCF-style: chr11-66699496-T-C. GRCh37 (hg19) VCF-style: chr11-66466967-T-C.
Other names: short protein forms H1229R.
Identifiers: ClinVar variation 305563 (VCV000305563.17), dbSNP rs114788199, ClinGen allele CA6128800.